The following is an entry in ClinVar:

NM_021067.5(GINS1):c.140+1G>A

Gene: GINS1 (GINS complex subunit 1; plus strand). Cytogenetic location: 20p11.21.
Variant type: single nucleotide variant.
Coding change: c.140+1G>A on transcript NM_021067.5 (MANE Select); the canonical splice donor site of the intron after coding-DNA position 140, G replaced by A.
Molecular consequence: splice donor variant. On other transcripts: intron variant (1).
Genome position (GRCh38, 1-based): chr20:25,413,855, G>A. VCF-style: chr20-25413855-G-A. GRCh37 (hg19) VCF-style: chr20-25394491-G-A.
Other names: c.140+1G>A (NM_001410830.1); c.75+5960G>A (NM_001410831.1).
Identifiers: ClinVar variation 2797000 (VCV002797000.3), dbSNP rs1321578047, ClinGen allele CA408447153.

ClinVar aggregate classification (germline): Uncertain significance (1 of 4 stars; one submission).

Allele frequency attached by ClinVar (database versions not stated): gnomAD exomes below 0.00001.
gnomAD v4.1: 3 of 1,509,126 alleles (0.0002%); highest among the groups gnomAD compares: South Asian, 0.0011%; no homozygotes.

Submission:

Labcorp Genetics (formerly Invitae), Labcorp
Classification: Uncertain significance. Last evaluated: 2023-11-20. Review status: criteria provided, single submitter. Criteria: Invitae Variant Classification Sherloc (09022015). Collection method: clinical testing. Allele origin: germline.
Comment: This sequence change affects a donor splice site in intron 2 of the GINS1 gene. It is expected to disrupt RNA splicing. Variants that disrupt the donor or acceptor splice site typically lead to a loss of protein function (PMID: 16199547), however the current clinical and genetic evidence is not sufficient to establish whether loss-of-function variants in GINS1 cause disease. This variant is present in population databases (no rsID available, gnomAD 0.003%). This variant has not been reported in the literature in individuals affected with GINS1-related conditions. Algorithms developed to predict the effect of sequence changes on RNA splicing suggest that this variant may disrupt the consensus splice site. In summary, the available evidence is currently insufficient to determine the role of this variant in disease. Therefore, it has been classified as a Variant of Uncertain Significance.

Literature cited by the submitters: PubMed 16199547.